The following is an entry in ClinVar:

NM_006440.5(TXNRD2):c.172G>A (p.Ala58Thr)

Gene: TXNRD2 (thioredoxin reductase 2; minus strand). Cytogenetic location: 22q11.21.
Variant type: single nucleotide variant.
Coding change: c.172G>A on transcript NM_006440.5 (MANE Select); coding-DNA position 172, G replaced by A.
Protein change: p.Ala58Thr; replaces alanine 58 with threonine.
Molecular consequence: missense variant. On other transcripts: 5 prime UTR variant (1), non-coding transcript variant (1).
Genome position (GRCh38, 1-based): chr22:19,931,030, C>T on the plus strand (G>A on the coding strand, the complement: TXNRD2 is on the minus strand). VCF-style: chr22-19931030-C-T. GRCh37 (hg19) VCF-style: chr22-19918553-C-T.
Other names: c.172G>A, p.Ala58Thr (NM_001282512.3); c.169G>A, p.Ala57Thr (NM_001352300.2); c.82G>A, p.Ala28Thr (NM_001352301.2); c.-117G>A (NM_001352302.2); c.76G>A, p.Ala26Thr (NM_001352303.2); c.172G>A (NM_006440.3); short protein forms A57T, A28T, A58T, A26T.
Identifiers: ClinVar variation 658651 (VCV000658651.12), dbSNP rs764378793, ClinGen allele CA10104330.

ClinVar aggregate classification (germline): Uncertain significance. Review status: criteria provided, multiple submitters, no conflicts (2 of 4 stars). 2 submissions from 2 submitters: Uncertain significance (2). Last evaluated 2026-04-06.

Conditions:
Cardiovascular phenotype. Identifiers: MedGen CN230736.
Primary dilated cardiomyopathy (DCM). Also called: Dilated Cardiomyopathy. Identifiers: Orphanet 217604, MedGen C0007193, MeSH D002311, MONDO:0005021, HP:0001644. Inheritance: Various modes of inheritance.

Allele frequency attached by ClinVar (database versions not stated): TOPMed 0.00001; gnomAD 0.00001.
gnomAD v4.1: 8 of 1,613,564 alleles (0.0005%); highest among the groups gnomAD compares: East Asian, 0.0022%; no homozygotes.

Submissions (2):

Ambry Genetics
Classification: Uncertain significance for Cardiovascular phenotype. Last evaluated: 2026-04-06. Review status: criteria provided, single submitter. Criteria: Ambry Variant Classification Scheme 2023. Collection method: clinical testing. Allele origin: germline.
Comment: The c.172G>A variant (also known as p.A58T), located in coding exon 2 of the TXNRD2 gene, results from a G to A substitution at nucleotide position 172. The amino acid change results in alanine to threonine at codon 58, an amino acid with similar properties. However, this change occurs in the last base pair of coding exon 2, which makes it likely to have some effect on normal mRNA splicing. This nucleotide position is highly conserved in available vertebrate species. This amino acid position is highly conserved in available vertebrate species. In silico splice site analysis predicts that this alteration will weaken the native splice donor site. In addition, as a missense substitution this alteration is inconclusive. The evidence for this gene-disease relationship is limited; therefore, the clinical significance of this variant is unclear.

Labcorp Genetics (formerly Invitae), Labcorp
Classification: Uncertain significance for Primary dilated cardiomyopathy. Last evaluated: 2025-03-23. Review status: criteria provided, single submitter. Criteria: Invitae Variant Classification Sherloc (09022015). Collection method: clinical testing. Allele origin: germline.
Comment: This sequence change replaces alanine, which is neutral and non-polar, with threonine, which is neutral and polar, at codon 58 of the TXNRD2 protein (p.Ala58Thr). This variant also falls at the last nucleotide of exon 2, which is part of the consensus splice site for this exon. This variant is present in population databases (rs764378793, gnomAD 0.002%). This variant has not been reported in the literature in individuals affected with TXNRD2-related conditions. ClinVar contains an entry for this variant (Variation ID: 658651). An algorithm developed to predict the effect of missense changes on protein structure and function (PolyPhen-2) suggests that this variant is likely to be disruptive. Variants that disrupt the consensus splice site are a relatively common cause of aberrant splicing (PMID: 17576681, 9536098). Algorithms developed to predict the effect of sequence changes on RNA splicing suggest that this variant may disrupt the consensus splice site. In summary, the available evidence is currently insufficient to determine the role of this variant in disease. Therefore, it has been classified as a Variant of Uncertain Significance.

Literature cited by the submitters: PubMed 17576681 (cited by Labcorp Genetics (formerly Invitae), Labcorp); PubMed 9536098 (cited by Labcorp Genetics (formerly Invitae), Labcorp).